The following is an entry in ClinVar:

ClinVar aggregate classification (germline): Uncertain significance (1 of 4 stars; one submission).

Conditions:
Cardiovascular phenotype. Identifiers: MedGen CN230736.

Submission:

Molecular Diagnostic Laboratory for Inherited Cardiovascular Disease, Montreal Heart Institute
Classification: Uncertain significance for Cardiovascular phenotype. Last evaluated: 2026-09-21. Review status: criteria provided, single submitter. Criteria: ACMG Guidelines, 2015. Collection method: clinical testing. Allele origin: germline. Affected: yes.
Comment: PM2

NM_020433.5(JPH2):c.504C>G (p.Ser168Arg)

Gene: JPH2 (junctophilin 2; minus strand). Cytogenetic location: 20q13.12.
Variant type: single nucleotide variant.
Coding change: c.504C>G on transcript NM_020433.5 (MANE Select); coding-DNA position 504, C replaced by G.
Protein change: p.Ser168Arg; replaces serine 168 with arginine.
Molecular consequence: missense variant.
Genome position (GRCh38, 1-based): chr20:44,160,283, G>C on the plus strand (C>G on the coding strand, the complement: JPH2 is on the minus strand). VCF-style: chr20-44160283-G-C. GRCh37 (hg19) VCF-style: chr20-42788923-G-C.
Other names: short protein forms S168R.
Identifiers: ClinVar variation 5037828 (VCV005037828.1).